The following is an entry in ClinVar:

NM_001130987.2(DYSF):c.462C>T (p.Gly154=)

Gene: DYSF (dysferlin; plus strand). Cytogenetic location: 2p13.2.
Variant type: single nucleotide variant.
Coding change: c.462C>T on transcript NM_001130987.2 (MANE Select); coding-DNA position 462, C replaced by T.
Protein change: p.Gly154=; no amino-acid change (glycine 154 retained).
Molecular consequence: synonymous variant. On other transcripts: intron variant (8).
Genome position (GRCh38, 1-based): chr2:71,513,241, C>T. VCF-style: chr2-71513241-C-T. GRCh37 (hg19) VCF-style: chr2-71740371-C-T.
Other names: c.459C>T, p.Gly153= (NM_001130979.2, NM_001130980.2, NM_001130981.2); c.462C>T, p.Gly154= (NM_001130982.2, NM_001130985.2); c.458-475C>T (NM_001130978.2, NM_003494.4, NM_001130977.2 and 1 more transcripts); c.461-475C>T (NM_001130983.2, NM_001130455.2, NM_001130984.2 and 1 more transcripts).
Identifiers: ClinVar variation 3038112 (VCV003038112.3), dbSNP rs72898896, ClinGen allele CA1705359.

ClinVar aggregate classification (germline): Likely benign. Review status: criteria provided, single submitter (1 of 4 stars). 2 submissions from 2 submitters: Likely benign (1). 1 of the submissions does not count toward it. Last evaluated 2024-09-25.

Conditions:
DYSF-related disorder. Also called: DYSF-related condition; DYSF-related disorders.

Allele frequency attached by ClinVar (database versions not stated): 1000 Genomes Project 0.00260; 1000 Genomes Project 30x 0.00344.
gnomAD v4.1: 587 of 1,551,524 alleles (0.038%); highest among the groups gnomAD compares: African/African-American, 0.67%; no homozygotes.

Submissions (2):

Blueprint Genetics
Classification: Likely benign. Last evaluated: 2024-09-25. Review status: criteria provided, single submitter. Criteria: ACMG Guidelines, 2015. Collection method: clinical testing. Allele origin: germline.

PreventionGenetics, part of Exact Sciences
Classification: Likely benign for DYSF-related condition. Last evaluated: 2019-06-14. Review status: no assertion criteria provided. Collection method: clinical testing. Allele origin: germline. Not counted in ClinVar's aggregate classification.
Comment: This variant is classified as likely benign based on ACMG/AMP sequence variant interpretation guidelines (Richards et al. 2015 PMID: 25741868, with internal and published modifications).